The following is an entry in ClinVar:

ClinVar aggregate classification (germline): Conflicting classifications of pathogenicity. Review status: criteria provided, conflicting classifications (1 of 4 stars). 6 submissions from 6 submitters: Likely pathogenic (1); Uncertain significance (5). Last evaluated 2026-10-01.

Conditions:
Malignant hyperthermia, susceptibility to, 1 (MHS1). Also called: Anesthesia related hyperthermia; Malignant hyperpyrexia; Fulminating hyperpyrexia; Pharmacogenic myopathy; RYR1-Related Malignant Hyperthermia Susceptibility; Malignant hyperthermia suceptibility 1. Identifiers: Orphanet 423, MedGen C2930980, MONDO:0007783, OMIM 145600.
RYR1-related disorder. Also called: RYR1-related condition; RYR1-related disorders. Identifiers: MedGen CN239331.

Allele frequency attached by ClinVar (database versions not stated): gnomAD exomes 0.00001; TOPMed 0.00001.
gnomAD v4.1: 13 of 1,562,042 alleles (0.00083%); highest among the groups gnomAD compares: East Asian, 0.0024%; no homozygotes.

Submissions (6):

GeneDx
Classification: Likely pathogenic. Last evaluated: 2026-10-01. Review status: criteria provided, single submitter. Criteria: GeneDx Variant Classification Process June 2021. Collection method: clinical testing. Allele origin: germline.
Comment: Not observed at significant frequency in large population cohorts (gnomAD); In silico analysis supports that this missense variant has a deleterious effect on protein structure/function; This variant is associated with the following publications: (PMID: 36939041)

Labcorp Genetics (formerly Invitae), Labcorp
Classification: Uncertain significance for RYR1-related disorder. Last evaluated: 2026-01-19. Review status: criteria provided, single submitter. Criteria: Invitae Variant Classification Sherloc (09022015). Collection method: clinical testing. Allele origin: germline.
Comment: This sequence change replaces arginine, which is basic and polar, with tryptophan, which is neutral and slightly polar, at codon 1593 of the RYR1 protein (p.Arg1593Trp). The frequency data for this variant in the population databases is considered unreliable, as metrics indicate poor data quality at this position in the gnomAD database. This missense change has been observed in individual(s) with autosomal recessive RYR1-related myopathy (PMID: 36939041). In at least one individual the data is consistent with being in trans (on the opposite chromosome) from a pathogenic variant. ClinVar contains an entry for this variant (Variation ID: 1040136). Invitae Evidence Modeling of protein sequence and biophysical properties (such as structural, functional, and spatial information, amino acid conservation, physicochemical variation, residue mobility, and thermodynamic stability) indicates that this missense variant is expected to disrupt RYR1 protein function with a positive predictive value of 80%. In summary, the available evidence is currently insufficient to determine the role of this variant in disease. Therefore, it has been classified as a Variant of Uncertain Significance.

Color Diagnostics, LLC DBA Color Health
Classification: Uncertain significance for Malignant hyperthermia, susceptibility to, 1. Last evaluated: 2025-06-09. Review status: criteria provided, single submitter. Criteria: ACMG Guidelines, 2015. Collection method: clinical testing. Allele origin: germline.
Comment: This missense variant replaces arginine with tryptophan at codon 1593 of the RYR1 protein. Computational prediction suggests that this variant may have deleterious impact on protein structure and function. To our knowledge, functional studies have not been reported for this variant. This variant has not been reported in individuals affected with RYR1-related disorders in the literature. This variant has been identified in 1/170258 chromosomes in the general population by the Genome Aggregation Database (gnomAD). The available evidence is insufficient to determine the role of this variant in disease conclusively. Therefore, this variant is classified as a Variant of Uncertain Significance.

Women's Health and Genetics/Laboratory Corporation of America, LabCorp
Classification: Uncertain significance. Last evaluated: 2025-04-18. Review status: criteria provided, single submitter. Criteria: LabCorp Variant Classification Summary - May 2015. Collection method: clinical testing. Allele origin: germline.
Comment: Variant summary: RYR1 c.4777C>T (p.Arg1593Trp) results in a non-conservative amino acid change in the encoded protein sequence. Five of five in-silico tools predict a damaging effect of the variant on protein function. The variant allele was found at a frequency of 5.9e-06 in 170258 control chromosomes. The available data on variant occurrences in the general population are insufficient to allow any conclusion about variant significance. c.4777C>T has been observed in a compound heterozygous individual without specification of clinical phenotype (Meng_2023). These data do not allow any conclusion about variant significance. To our knowledge, no experimental evidence demonstrating an impact on protein function has been reported. The following publication have been ascertained in the context of this evaluation (PMID: 36939041). ClinVar contains an entry for this variant (Variation ID: 1040136). Based on the evidence outlined above, the variant was classified as uncertain significance.

All of Us Research Program, National Institutes of Health
Classification: Uncertain significance for Malignant hyperthermia, susceptibility to, 1. Last evaluated: 2024-09-23. Review status: criteria provided, single submitter. Criteria: ACMG Guidelines, 2015. Collection method: clinical testing. Allele origin: germline. Inheritance: Autosomal dominant inheritance. Observed: 2 variant alleles, 2 heterozygotes.
Comment: This missense variant replaces arginine with tryptophan at codon 1593 of the RYR1 protein. Computational prediction suggests that this variant may have deleterious impact on protein structure and function (internally defined REVEL score threshold >= 0.7, PMID: 27666373). To our knowledge, functional studies have not been reported for this variant. This variant has not been reported in individuals affected with RYR1-related disorders in the literature. This variant has been identified in 1/170258 chromosomes in the general population by the Genome Aggregation Database (gnomAD). The available evidence is insufficient to determine the role of this variant in disease conclusively. Therefore, this variant is classified as a Variant of Uncertain Significance.

This study involves interpretation of variants in research participants for the purpose of population health screening. Participant phenotype was not available at the time of variant classification. Additional details can be found in publication PMID: 35346344, PMCID: PMC8962531

Revvity Omics, Revvity
Classification: Uncertain significance. Last evaluated: 2020-03-24. Review status: criteria provided, single submitter. Criteria: ACMG Guidelines, 2015. Collection method: clinical testing. Allele origin: germline.

Literature cited by the submitters: PubMed 36939041 (cited by Labcorp Genetics (formerly Invitae), Labcorp and Women's Health and Genetics/Laboratory Corporation of America, LabCorp).

NM_000540.3(RYR1):c.4777C>T (p.Arg1593Trp)

Gene: RYR1 (ryanodine receptor 1; plus strand). Cytogenetic location: 19q13.2.
Variant type: single nucleotide variant.
Coding change: c.4777C>T on transcript NM_000540.3 (MANE Select); coding-DNA position 4777, C replaced by T.
Protein change: p.Arg1593Trp; replaces arginine 1593 with tryptophan.
Molecular consequence: missense variant.
Genome position (GRCh38, 1-based): chr19:38,483,359, C>T. VCF-style: chr19-38483359-C-T. GRCh37 (hg19) VCF-style: chr19-38973999-C-T.
Other names: c.4777C>T, p.Arg1593Trp (NM_001042723.2); short protein forms R1593W.
Identifiers: ClinVar variation 1040136 (VCV001040136.22), dbSNP rs1229854214, ClinGen allele CA405650407.